The following is an entry in ClinVar:

NM_003978.5(PSTPIP1):c.1004C>T (p.Thr335Ile)

Gene: PSTPIP1 (proline-serine-threonine phosphatase interacting protein 1; plus strand). Cytogenetic location: 15q24.3.
Variant type: single nucleotide variant.
Coding change: c.1004C>T on transcript NM_003978.5 (MANE Select); coding-DNA position 1004, C replaced by T.
Protein change: p.Thr335Ile; replaces threonine 335 with isoleucine.
Molecular consequence: missense variant. On other transcripts: non-coding transcript variant (1).
Genome position (GRCh38, 1-based): chr15:77,035,820, C>T. VCF-style: chr15-77035820-C-T. GRCh37 (hg19) VCF-style: chr15-77328161-C-T.
Other names: c.947C>T, p.Thr316Ile (NM_001321135.2); c.977C>T, p.Thr326Ile (NM_001321136.2); c.1199C>T, p.Thr400Ile (NM_001321137.1); c.995C>T, p.Thr332Ile (NM_001411086.1); short protein forms T400I, T326I, T335I, T316I, T332I.
Identifiers: ClinVar variation 4711598 (VCV004711598.1).

ClinVar aggregate classification (germline): Uncertain significance (1 of 4 stars; one submission).

Conditions:
Pyogenic arthritis-pyoderma gangrenosum-acne syndrome (PAPA). Also called: PAPA SYNDROME; FAMILIAL RECURRENT ARTHRITIS. Identifiers: Orphanet 69126, MedGen C1858361, MONDO:0011462, OMIM 604416.

gnomAD v4.1: 3 of 1,608,926 alleles (0.00019%); highest among the groups gnomAD compares: African/African-American, 0.0027%; no homozygotes.

Submission:

Labcorp Genetics (formerly Invitae), Labcorp
Classification: Uncertain significance for Pyogenic arthritis-pyoderma gangrenosum-acne syndrome. Last evaluated: 2025-08-01. Review status: criteria provided, single submitter. Criteria: Invitae Variant Classification Sherloc (09022015). Collection method: clinical testing. Allele origin: germline.
Comment: This sequence change replaces threonine, which is neutral and polar, with isoleucine, which is neutral and non-polar, at codon 335 of the PSTPIP1 protein (p.Thr335Ile). This variant is not present in population databases (gnomAD no frequency). This variant has not been reported in the literature in individuals affected with PSTPIP1-related conditions. An algorithm developed to predict the effect of missense changes on protein structure and function (PolyPhen-2) suggests that this variant is likely to be tolerated. In summary, the available evidence is currently insufficient to determine the role of this variant in disease. Therefore, it has been classified as a Variant of Uncertain Significance.